The following is an entry in ClinVar:

ClinVar aggregate classification (germline): Likely benign (1 of 4 stars; one submission).

Submission:

CeGaT Center for Human Genetics Tuebingen
Classification: Likely benign. Last evaluated: 2025-06-01. Review status: criteria provided, single submitter. Criteria: CeGaT Center For Human Genetics Tuebingen Variant Classification Criteria Version 2. Collection method: clinical testing. Allele origin: germline. Affected: yes. Observed: 1 variant allele.
Comment: HUWE1: PP2, BS2

NM_031407.7(HUWE1):c.3124A>G (p.Met1042Val)

Gene: HUWE1 (HECT, UBA and WWE domain containing E3 ubiquitin protein ligase 1; minus strand). Cytogenetic location: Xp11.22.
Variant type: single nucleotide variant.
Coding change: c.3124A>G on transcript NM_031407.7 (MANE Select); coding-DNA position 3124, A replaced by G.
Protein change: p.Met1042Val; replaces methionine 1042 with valine.
Molecular consequence: missense variant.
Genome position (GRCh38, 1-based): chrX:53,600,157, T>C on the plus strand (A>G on the coding strand, the complement: HUWE1 is on the minus strand). VCF-style: chrX-53600157-T-C. GRCh37 (hg19) VCF-style: chrX-53627117-T-C.
Other names: c.3124A>G, p.Met1042Val (NM_001441048.1, NM_001441049.1, NM_001441051.1 and 6 more transcripts); c.3145A>G, p.Met1049Val (NM_001441050.1, NM_001441055.1); short protein forms M1042V, M1049V.
Identifiers: ClinVar variation 4083832 (VCV004083832.8).